The following is an entry in ClinVar:

ClinVar aggregate classification (germline): Uncertain significance (1 of 4 stars; one submission).

Submission:

GeneDx
Classification: Uncertain significance. Last evaluated: 2024-12-09. Review status: criteria provided, single submitter. Criteria: GeneDx Variant Classification Process June 2021. Collection method: clinical testing. Allele origin: germline. Affected: yes.
Comment: Not observed at significant frequency in large population cohorts (gnomAD); In silico analysis indicates that this missense variant does not alter protein structure/function; Has not been previously published as pathogenic or benign to our knowledge

NM_000307.5(POU3F4):c.223C>T (p.Pro75Ser)

Gene: POU3F4 (POU class 3 homeobox 4; plus strand). Cytogenetic location: Xq21.1.
Variant type: single nucleotide variant.
Coding change: c.223C>T on transcript NM_000307.5 (MANE Select); coding-DNA position 223, C replaced by T.
Protein change: p.Pro75Ser; replaces proline 75 with serine.
Molecular consequence: missense variant.
Genome position (GRCh38, 1-based): chrX:83,508,547, C>T. VCF-style: chrX-83508547-C-T. GRCh37 (hg19) VCF-style: chrX-82763555-C-T.
Other names: short protein forms P75S.
Identifiers: ClinVar variation 3901390 (VCV003901390.1).